The following is an entry in ClinVar:

ClinVar aggregate classification (germline): Likely benign. Review status: criteria provided, single submitter (1 of 4 stars). 2 submissions from 2 submitters: Likely benign (1). 1 of the submissions does not count toward it. Last evaluated 2020-02-20.

Conditions:
TRDN-related disorder. Also called: TRDN-related condition.

Allele frequency attached by ClinVar (database versions not stated): 1000 Genomes Project 30x 0.00016; 1000 Genomes Project 0.00020; TOPMed 0.00029; ExAC 0.00039; gnomAD exomes 0.00040 and 0.00049; gnomAD 0.00045; ESP Exome Variant Server 0.00059.
gnomAD v4.1: 752 of 1,611,436 alleles (0.047%); highest among the groups gnomAD compares: Middle Eastern, 0.083%; no homozygotes.

Submissions (2):

GeneDx
Classification: Likely benign. Last evaluated: 2020-02-20. Review status: criteria provided, single submitter. Criteria: GeneDx Variant Classification Process June 2021. Collection method: clinical testing. Allele origin: germline. Affected: yes.

PreventionGenetics, part of Exact Sciences
Classification: Likely benign for TRDN-related condition. Last evaluated: 2023-12-16. Review status: no assertion criteria provided. Collection method: clinical testing. Allele origin: germline. Not counted in ClinVar's aggregate classification.
Comment: This variant is classified as likely benign based on ACMG/AMP sequence variant interpretation guidelines (Richards et al. 2015 PMID: 25741868, with internal and published modifications).

NM_006073.4(TRDN):c.-26A>G

Gene: TRDN (triadin; minus strand). Cytogenetic location: 6q22.31.
Variant type: single nucleotide variant.
Coding change: c.-26A>G on transcript NM_006073.4 (MANE Select); 26 bases upstream of the start codon, A replaced by G.
Molecular consequence: 5 prime UTR variant.
Genome position (GRCh38, 1-based): chr6:123,636,801, T>C on the plus strand (A>G on the coding strand, the complement: TRDN is on the minus strand). VCF-style: chr6-123636801-T-C. GRCh37 (hg19) VCF-style: chr6-123957946-T-C.
Other names: c.-26A>G (NM_001251987.2, NM_001256020.2, NM_001256021.2 and 1 more transcripts).
Identifiers: ClinVar variation 355230 (VCV000355230.5), dbSNP rs372934247, ClinGen allele CA3984533.